The following is an entry in ClinVar:

ClinVar aggregate classification (germline): Uncertain significance (1 of 4 stars; one submission).

gnomAD v4.1: 1 of 1,613,682 alleles (0.000062%); highest among the groups gnomAD compares: Non-Finnish European, 0.000085%; no homozygotes.

Submission:

GeneDx
Classification: Uncertain significance. Last evaluated: 2025-01-24. Review status: criteria provided, single submitter. Criteria: GeneDx Variant Classification Process June 2021. Collection method: clinical testing. Allele origin: germline. Affected: yes.
Comment: Not observed at significant frequency in large population cohorts (gnomAD); In silico analysis supports that this missense variant has a deleterious effect on protein structure/function; Has not been previously published as pathogenic or benign to our knowledge

NM_014159.7(SETD2):c.5177G>A (p.Gly1726Asp)

Gene: SETD2 (SET domain containing 2, histone lysine methyltransferase; minus strand). Cytogenetic location: 3p21.31.
Variant type: single nucleotide variant.
Coding change: c.5177G>A on transcript NM_014159.7 (MANE Select); coding-DNA position 5177, G replaced by A.
Protein change: p.Gly1726Asp; replaces glycine 1726 with aspartic acid.
Molecular consequence: missense variant. On other transcripts: non-coding transcript variant (1).
Genome position (GRCh38, 1-based): chr3:47,088,213, C>T on the plus strand (G>A on the coding strand, the complement: SETD2 is on the minus strand). VCF-style: chr3-47088213-C-T. GRCh37 (hg19) VCF-style: chr3-47129703-C-T.
Other names: c.5045G>A, p.Gly1682Asp (NM_001349370.3); short protein forms G1682D, G1726D.
Identifiers: ClinVar variation 4071867 (VCV004071867.1).